The following is an entry in ClinVar:

ClinVar aggregate classification (germline): Uncertain significance (1 of 4 stars; one submission).

Conditions:
RYR1-related disorder. Also called: RYR1-related disorders; RYR1-related condition. Identifiers: MedGen CN239331.

Allele frequency attached by ClinVar (database versions not stated): gnomAD exomes below 0.00001.
gnomAD v4.1: 3 of 1,613,476 alleles (0.00019%); highest among the groups gnomAD compares: Non-Finnish European, 0.00025%; no homozygotes.

Submission:

Labcorp Genetics (formerly Invitae), Labcorp
Classification: Uncertain significance for RYR1-related disorder. Last evaluated: 2019-07-12. Review status: criteria provided, single submitter. Criteria: Invitae Variant Classification Sherloc (09022015). Collection method: clinical testing. Allele origin: germline.
Comment: This variant has not been reported in the literature in individuals with RYR1-related conditions. In summary, the available evidence is currently insufficient to determine the role of this variant in disease. Therefore, it has been classified as a Variant of Uncertain Significance. Algorithms developed to predict the effect of missense changes on protein structure and function are either unavailable or do not agree on the potential impact of this missense change (SIFT: "Deleterious"; PolyPhen-2: "Probably Damaging"; Align-GVGD: "Class C0"). This variant is not present in population databases (ExAC no frequency). This sequence change replaces lysine with glutamine at codon 1487 of the RYR1 protein (p.Lys1487Gln). The lysine residue is highly conserved and there is a small physicochemical difference between lysine and glutamine.

NM_000540.3(RYR1):c.4459A>C (p.Lys1487Gln)

Gene: RYR1 (ryanodine receptor 1; plus strand). Cytogenetic location: 19q13.2.
Variant type: single nucleotide variant.
Coding change: c.4459A>C on transcript NM_000540.3 (MANE Select); coding-DNA position 4459, A replaced by C.
Protein change: p.Lys1487Gln; replaces lysine 1487 with glutamine.
Molecular consequence: missense variant.
Genome position (GRCh38, 1-based): chr19:38,478,439, A>C. VCF-style: chr19-38478439-A-C. GRCh37 (hg19) VCF-style: chr19-38969079-A-C.
Other names: c.4459A>C, p.Lys1487Gln (NM_001042723.2); short protein forms K1487Q.
Identifiers: ClinVar variation 950682 (VCV000950682.9), dbSNP rs1968852685, ClinGen allele CA405646675.